The following is an entry in ClinVar:

NM_181458.4(PAX3):c.1069C>T (p.Pro357Ser)

Genes: PAX3 (paired box 3; minus strand), LOC126806529 (CDK7 strongly-dependent group 2 enhancer GRCh37_chr2:223084735-223085934; plus strand). Cytogenetic location: 2q36.1.
Variant type: single nucleotide variant.
Coding change: c.1069C>T on transcript NM_181458.4 (MANE Select); coding-DNA position 1069, C replaced by T.
Protein change: p.Pro357Ser; replaces proline 357 with serine.
Molecular consequence: missense variant.
Genome position (GRCh38, 1-based): chr2:222,220,244, G>A on the plus strand (C>T on the coding strand, the complement: PAX3 is on the minus strand). VCF-style: chr2-222220244-G-A. GRCh37 (hg19) VCF-style: chr2-223084963-G-A.
Other names: c.1066C>T, p.Pro356Ser (NM_001127366.3); c.1069C>T, p.Pro357Ser (NM_181457.4, NM_181459.4, NM_181460.4 and 1 more transcripts); short protein forms P357S, P356S.
Identifiers: ClinVar variation 3687623 (VCV003687623.2).

ClinVar aggregate classification (germline): Uncertain significance (1 of 4 stars; one submission).

Submission:

Labcorp Genetics (formerly Invitae), Labcorp
Classification: Uncertain significance. Last evaluated: 2025-12-19. Review status: criteria provided, single submitter. Criteria: Invitae Variant Classification Sherloc (09022015). Collection method: clinical testing. Allele origin: germline.
Comment: This sequence change replaces proline, which is neutral and non-polar, with serine, which is neutral and polar, at codon 357 of the PAX3 protein (p.Pro357Ser). This variant is present in population databases (no rsID available, gnomAD 0.006%). This variant has not been reported in the literature in individuals affected with PAX3-related conditions. ClinVar contains an entry for this variant (Variation ID: 3687623). An algorithm developed to predict the effect of missense changes on protein structure and function outputs the following: PolyPhen-2: "Benign". The serine amino acid residue is found in multiple mammalian species, which suggests that this missense change does not adversely affect protein function. In summary, the available evidence is currently insufficient to determine the role of this variant in disease. Therefore, it has been classified as a Variant of Uncertain Significance.